The following is an entry in ClinVar:

ClinVar aggregate classification (germline): Uncertain significance (1 of 4 stars; one submission).

Conditions:
Neurodevelopmental disorder with or without hyperkinetic movements and seizures, autosomal dominant. Also called: Intellectual disability, autosomal dominant 8. Identifiers: MedGen C3280282, MONDO:0013655, OMIM 614254.

Submission:

Labcorp Genetics (formerly Invitae), Labcorp
Classification: Uncertain significance for Neurodevelopmental disorder with or without hyperkinetic movements and seizures, autosomal dominant. Last evaluated: 2020-02-10. Review status: criteria provided, single submitter. Criteria: Invitae Variant Classification Sherloc (09022015). Collection method: clinical testing. Allele origin: germline.
Comment: This sequence change replaces serine with phenylalanine at codon 885 of the GRIN1 protein (p.Ser885Phe). The serine residue is moderately conserved and there is a large physicochemical difference between serine and phenylalanine. This variant is not present in population databases (ExAC no frequency). This variant has not been reported in the literature in individuals with GRIN1-related conditions. Algorithms developed to predict the effect of missense changes on protein structure and function are either unavailable or do not agree on the potential impact of this missense change (SIFT: "Deleterious"; PolyPhen-2: "Possibly Damaging"; Align-GVGD: "Class C0"). In summary, the available evidence is currently insufficient to determine the role of this variant in disease. Therefore, it has been classified as a Variant of Uncertain Significance.

NM_007327.4(GRIN1):c.2654C>T (p.Ser885Phe)

Gene: GRIN1 (glutamate ionotropic receptor NMDA type subunit 1; plus strand). Cytogenetic location: 9q34.3.
Variant type: single nucleotide variant.
Coding change: c.2654C>T on transcript NM_007327.4 (MANE Select); coding-DNA position 2654, C replaced by T.
Protein change: p.Ser885Phe; replaces serine 885 with phenylalanine.
Molecular consequence: missense variant. On other transcripts: intron variant (3).
Genome position (GRCh38, 1-based): chr9:137,165,250, C>T. VCF-style: chr9-137165250-C-T. GRCh37 (hg19) VCF-style: chr9-140059702-C-T.
Other names: c.2717C>T, p.Ser906Phe (NM_001185090.2); c.2652+1346C>T (NM_001185091.2); c.2589+1346C>T (NM_021569.4, NM_000832.7); short protein forms S885F, S906F.
Identifiers: ClinVar variation 840167 (VCV000840167.10), dbSNP rs1833803457, ClinGen allele CA375727912.